The following is an entry in ClinVar:

ClinVar aggregate classification (germline): Pathogenic (1 of 4 stars; one submission).

Conditions:
Hereditary cancer-predisposing syndrome. Also called: Hereditary Cancer Syndrome; Hereditary neoplastic syndrome; Tumor predisposition; Neoplastic Syndromes, Hereditary. Identifiers: Orphanet 140162, MedGen C0027672, MeSH D009386, MONDO:0015356.

Submission:

Ambry Genetics
Classification: Pathogenic for Hereditary cancer-predisposing syndrome. Last evaluated: 2020-03-16. Review status: criteria provided, single submitter. Criteria: Ambry Variant Classification Scheme 2023. Collection method: clinical testing. Allele origin: germline.
Comment: The c.2446_2447delTGins16 pathogenic mutation, located in coding exon 16 of the BRIP1 gene, results from the deletion of TG at nucleotide positions 2446 to 2447 and insertion of 16 nucleotides causing a translational frameshift with a predicted alternate stop codon (p.W816Vfs*15). This alteration is expected to result in loss of function by premature protein truncation or nonsense-mediated mRNA decay. As such, this alteration is interpreted as a disease-causing mutation.

NM_032043.3(BRIP1):c.2446_2447delinsGTCTTCTACCTGGCCT (p.Trp816fs)

Gene: BRIP1 (BRCA1 interacting DNA helicase 1; minus strand). Cytogenetic location: 17q23.2.
Variant type: Indel.
Coding change: c.2446_2447delinsGTCTTCTACCTGGCCT on transcript NM_032043.3 (MANE Select); coding-DNA positions 2446 to 2447, TG replaced by GTCTTCTACCTGGCCT.
Protein change: p.Trp816fs; shifts the reading frame from tryptophan 816.
Molecular consequence: frameshift variant.
Genome position (GRCh38, 1-based): chr17:61,715,996-61,715,997, CA replaced by AGGCCAGGTAGAAGAC on the plus strand (TG replaced by GTCTTCTACCTGGCCT on the coding strand, the reverse complement: BRIP1 is on the minus strand). VCF-style: chr17-61715996-CA-AGGCCAGGTAGAAGAC. GRCh37 (hg19) VCF-style: chr17-59793357-CA-AGGCCAGGTAGAAGAC.
Other names: short protein forms W816fs.
Identifiers: ClinVar variation 1791391 (VCV001791391.2), dbSNP rs2544696786, ClinGen allele CA2580094470.